The following is an entry in ClinVar:

ClinVar aggregate classification (germline): Uncertain significance (1 of 4 stars; one submission).

Conditions:
Hereditary spastic paraplegia 11. Also called: SPASTIC PARAPLEGIA, AUTOSOMAL RECESSIVE, COMPLICATED, WITH THIN CORPUS CALLOSUM; SPASTIC PARAPLEGIA, AUTOSOMAL RECESSIVE, WITH MENTAL IMPAIRMENT AND THIN CORPUS CALLOSUM; Spastic paraplegia, mental retardation and thin corpus callosum; Nakamura Osame syndrome; Autosomal recessive hereditary spastic paraplegia, mental impairment, and thin corpus callosum; Spastic Paraplegia 11. Identifiers: Orphanet 2822, MedGen C1858479, MONDO:0011445, OMIM 604360.

Allele frequency attached by ClinVar (database versions not stated): ExAC 0.00001; gnomAD 0.00001; TOPMed 0.00001.

Submission:

Labcorp Genetics (formerly Invitae), Labcorp
Classification: Uncertain significance for Hereditary spastic paraplegia 11. Last evaluated: 2021-10-09. Review status: criteria provided, single submitter. Criteria: Invitae Variant Classification Sherloc (09022015). Collection method: clinical testing. Allele origin: germline.
Comment: This sequence change replaces glutamic acid with glycine at codon 1719 of the SPG11 protein (p.Glu1719Gly). The glutamic acid residue is weakly conserved and there is a moderate physicochemical difference between glutamic acid and glycine. This variant is present in population databases (rs769858527, ExAC 0.01%). This variant has not been reported in the literature in individuals affected with SPG11-related conditions. Algorithms developed to predict the effect of missense changes on protein structure and function output the following: SIFT: "Tolerated"; PolyPhen-2: "Benign"; Align-GVGD: "Class C0". The glycine amino acid residue is found in multiple mammalian species, which suggests that this missense change does not adversely affect protein function. In summary, the available evidence is currently insufficient to determine the role of this variant in disease. Therefore, it has been classified as a Variant of Uncertain Significance.

NM_025137.4(SPG11):c.5156A>G (p.Glu1719Gly)

Gene: SPG11 (SPG11 vesicle trafficking associated, spatacsin; minus strand). Cytogenetic location: 15q21.1.
Variant type: single nucleotide variant.
Coding change: c.5156A>G on transcript NM_025137.4 (MANE Select); coding-DNA position 5156, A replaced by G.
Protein change: p.Glu1719Gly; replaces glutamic acid 1719 with glycine.
Molecular consequence: missense variant.
Genome position (GRCh38, 1-based): chr15:44,584,524, T>C on the plus strand (A>G on the coding strand, the complement: SPG11 is on the minus strand). VCF-style: chr15-44584524-T-C. GRCh37 (hg19) VCF-style: chr15-44876722-T-C.
Other names: c.5156A>G, p.Glu1719Gly (NM_001160227.2); short protein forms E1719G.
Identifiers: ClinVar variation 1504416 (VCV001504416.6), dbSNP rs769858527, ClinGen allele CA7534460.